The following is an entry in ClinVar:

NM_022168.4(IFIH1):c.1483G>A (p.Gly495Arg)

Gene: IFIH1 (interferon induced with helicase C domain 1; minus strand). Cytogenetic location: 2q24.2.
Variant type: single nucleotide variant.
Coding change: c.1483G>A on transcript NM_022168.4 (MANE Select); coding-DNA position 1483, G replaced by A.
Protein change: p.Gly495Arg; replaces glycine 495 with arginine.
Molecular consequence: missense variant.
Genome position (GRCh38, 1-based): chr2:162,281,369, C>T on the plus strand (G>A on the coding strand, the complement: IFIH1 is on the minus strand). VCF-style: chr2-162281369-C-T. GRCh37 (hg19) VCF-style: chr2-163137879-C-T.
Other names: c.1483G>A, p.Gly495Arg (LRG_1235t1); short protein forms G495R.
Identifiers: ClinVar variation 137625 (VCV000137625.4), dbSNP rs672601336, ClinGen allele CA163193.
Genomic context (GRCh38, chr2:162,281,369, plus strand): 5'-ACATAAAATTATGACTTACTTTTAAAATGTGTTCTTCAGCTTTGGCTTGCTTCGTGGCCC[C>T]TCCAACACCAGGTGAAGCTGTTAGTCCCAGTATCTGAGGAAGGGGAATCACTGGTTTGTT-3'
Protein context (NP_071451.2, residues 485-505): LGLTASPGVG[Gly495Arg]ATKQAKAEEH

ClinVar aggregate classification (germline): Likely pathogenic. Review status: criteria provided, multiple submitters, no conflicts (2 of 4 stars). 3 submissions from 3 submitters: Likely pathogenic (2). 1 of the submissions does not count toward it. Last evaluated 2024-07-01.

Conditions:
Aicardi-Goutieres syndrome 7 (AGS7). Identifiers: Orphanet 51, MedGen C3888244, MONDO:0014367, OMIM 615846.
Spastic diplegia. Identifiers: MedGen C0023882, HP:0001264.

Submissions (3):

Clinical Genetics Laboratory, Skane University Hospital Lund
Classification: Likely pathogenic for Spastic diplegia. Last evaluated: 2024-07-01. Review status: criteria provided, single submitter. Criteria: ACMG Guidelines, 2015. Collection method: clinical testing. Allele origin: de novo. Inheritance: Autosomal dominant inheritance. Affected: yes.
Comment: PS2, PM2, PP3

GeneDx
Classification: Likely pathogenic. Last evaluated: 2024-06-14. Review status: criteria provided, single submitter. Criteria: GeneDx Variant Classification Process June 2021. Collection method: clinical testing. Allele origin: germline. Affected: yes.
Comment: Not observed at significant frequency in large population cohorts (gnomAD); In silico analysis supports that this missense variant has a deleterious effect on protein structure/function; This variant is associated with the following publications: (PMID: 25243380, 24686847, 26136517, 30443754)

OMIM
Classification: Pathogenic for AICARDI-GOUTIERES SYNDROME 7. Last evaluated: 2014-12-01. Review status: no assertion criteria provided. Collection method: literature only. Allele origin: germline. Not counted in ClinVar's aggregate classification.

Literature cited by the submitters: PubMed 24686847 (cited by OMIM); PubMed 25243380 (cited by OMIM).